The following is an entry in ClinVar:

NM_004370.6(COL12A1):c.4681G>A (p.Glu1561Lys)

Gene: COL12A1 (collagen type XII alpha 1 chain; minus strand). Cytogenetic location: 6q13.
Variant type: single nucleotide variant.
Coding change: c.4681G>A on transcript NM_004370.6 (MANE Select); coding-DNA position 4681, G replaced by A.
Protein change: p.Glu1561Lys; replaces glutamic acid 1561 with lysine.
Molecular consequence: missense variant.
Genome position (GRCh38, 1-based): chr6:75,145,335, C>T on the plus strand (G>A on the coding strand, the complement: COL12A1 is on the minus strand). VCF-style: chr6-75145335-C-T. GRCh37 (hg19) VCF-style: chr6-75855051-C-T.
Other names: c.4681G>A, p.Glu1561Lys (NM_001424113.1, NM_001424114.1); c.4408G>A, p.Glu1470Lys (NM_001424115.1); c.1189G>A, p.Glu397Lys (NM_001424116.1, NM_080645.3); short protein forms E1561K, E1470K, E397K.
Identifiers: ClinVar variation 2954551 (VCV002954551.3), dbSNP rs2533356424, ClinGen allele CA364742759.

ClinVar aggregate classification (germline): Uncertain significance (1 of 4 stars; one submission).

Conditions:
Ullrich congenital muscular dystrophy 2 (UCMD2). Identifiers: Orphanet 75840, MedGen C4225314, MONDO:0014654, OMIM 616470.
Bethlem myopathy 2 (BTHLM2). Identifiers: Orphanet 536516, Orphanet 610, MedGen C4225313, MONDO:0034022, OMIM 616471.

Submission:

Labcorp Genetics (formerly Invitae), Labcorp
Classification: Uncertain significance for Bethlem myopathy 2; Ullrich congenital muscular dystrophy 2. Last evaluated: 2023-12-22. Review status: criteria provided, single submitter. Criteria: Invitae Variant Classification Sherloc (09022015). Collection method: clinical testing. Allele origin: germline.
Comment: This sequence change replaces glutamic acid, which is acidic and polar, with lysine, which is basic and polar, at codon 1561 of the COL12A1 protein (p.Glu1561Lys). This variant is not present in population databases (gnomAD no frequency). This variant has not been reported in the literature in individuals affected with COL12A1-related conditions. Algorithms developed to predict the effect of missense changes on protein structure and function output the following: SIFT: "Not Available"; PolyPhen-2: "Benign"; Align-GVGD: "Not Available". The lysine amino acid residue is found in multiple mammalian species, which suggests that this missense change does not adversely affect protein function. In summary, the available evidence is currently insufficient to determine the role of this variant in disease. Therefore, it has been classified as a Variant of Uncertain Significance.